The following is an entry in ClinVar:

ClinVar aggregate classification (germline): Uncertain significance (1 of 4 stars; one submission).

Conditions:
Hereditary spastic paraplegia 7 (SPG7). Also called: Autosomal recessive spastic paraplegia type 7; SPG7-related neurologic disorder; SPASTIC PARAPLEGIA 7, AUTOSOMAL RECESSIVE, WITH OR WITHOUT CEREBELLAR ATAXIA; Spastic paraplegia 7; Hereditary spastic paraplegia Paraplegin type. Identifiers: Orphanet 99013, MedGen C1846564, MONDO:0011803, OMIM 607259.

Allele frequency attached by ClinVar (database versions not stated): gnomAD 0.00001; ExAC 0.00002; TOPMed 0.00002.
gnomAD v4.1: 76 of 1,612,192 alleles (0.0047%); highest among the groups gnomAD compares: Non-Finnish European, 0.0062%; no homozygotes.

Submission:

Labcorp Genetics (formerly Invitae), Labcorp
Classification: Uncertain significance for Hereditary spastic paraplegia 7. Last evaluated: 2022-09-27. Review status: criteria provided, single submitter. Criteria: Invitae Variant Classification Sherloc (09022015). Collection method: clinical testing. Allele origin: germline.
Comment: This sequence change replaces tyrosine, which is neutral and polar, with phenylalanine, which is neutral and non-polar, at codon 256 of the SPG7 protein (p.Tyr256Phe). This variant is present in population databases (rs773926412, gnomAD 0.003%). This variant has not been reported in the literature in individuals affected with SPG7-related conditions. ClinVar contains an entry for this variant (Variation ID: 1427748). Advanced modeling of protein sequence and biophysical properties (such as structural, functional, and spatial information, amino acid conservation, physicochemical variation, residue mobility, and thermodynamic stability) performed at Invitae indicates that this missense variant is not expected to disrupt SPG7 protein function. In summary, the available evidence is currently insufficient to determine the role of this variant in disease. Therefore, it has been classified as a Variant of Uncertain Significance.

NM_003119.4(SPG7):c.767A>T (p.Tyr256Phe)

Gene: SPG7 (SPG7 matrix AAA peptidase subunit, paraplegin; plus strand). Cytogenetic location: 16q24.3.
Variant type: single nucleotide variant.
Coding change: c.767A>T on transcript NM_003119.4 (MANE Select); coding-DNA position 767, A replaced by T.
Protein change: p.Tyr256Phe; replaces tyrosine 256 with phenylalanine.
Molecular consequence: missense variant.
Genome position (GRCh38, 1-based): chr16:89,529,485, A>T. VCF-style: chr16-89529485-A-T. GRCh37 (hg19) VCF-style: chr16-89595893-A-T.
Other names: c.767A>T, p.Tyr256Phe (NM_001363850.1, NM_199367.3); short protein forms Y256F.
Identifiers: ClinVar variation 1427748 (VCV001427748.5), dbSNP rs773926412, ClinGen allele CA8243778.